The following is an entry in ClinVar:

Single allele

Variant type: Deletion.
Identifiers: ClinVar variation 157475 (VCV000157475.2).

ClinVar aggregate classification (germline): not provided (0 of 4 stars; one submission).

Conditions:
Gestational diabetes mellitus uncontrolled. Identifiers: MedGen C3532257.

Submission:

Institute of Molecular and Cell Biology, University of Tartu
No classification provided. Condition: Gestational diabetes mellitus uncontrolled. Review status: no classification provided. Collection method: case-control. Allele origin: unknown. Affected: yes. Study: Kasak2014.
Comment: The study aimed to determine the contribution of copy number variants in the genetic etiology of normal and complicated pregnancies. The samples represented (i) maternal blood DNA drawn from healthy pregnant women during 1st or 2nd trimester and (ii) maternal and paternal blood DNA drawn at term pregnancy cases representing normal and complicated gestations (severe preeclampsia, PE; gestational diabetes, GD; small-for-gestational age newborn, SGA; large-for-gestational age newborn, LGA). We performed CNV calling based on genome-wide genotyping dataset (Illumina HumanOmniExpress-24-v1 BeadChip) by applying three algorithms, QuantiSNP, GADA (Genome Alteration Detection Algorithm) and CNstream in parallel. The acquired CNV calls were merged with HD-CNV (Hotspot Detector for Copy Number Variants) program and only the CNVs predicted by at least two programs, were considered in subsequent analysis.

Literature cited by the submitters: PubMed 25666259.